The following is an entry in ClinVar:

ClinVar aggregate classification (germline): Benign. Review status: criteria provided, multiple submitters, no conflicts (2 of 4 stars). 4 submissions from 4 submitters: Benign (4). Last evaluated 2024-07-15.

Conditions:
Autosomal recessive Alport syndrome (ATS2). Also called: COL4A3-Related Nephropathy; COL4A4 Alport Syndrome and Thin Basement Membrane Nephropathy; ALPORT SYNDROME 2, AUTOSOMAL RECESSIVE; Alport syndrome type 2. Identifiers: Orphanet 63, Orphanet 88919, MedGen C4746745, MONDO:0008762, OMIM 203780.

Allele frequency attached by ClinVar (database versions not stated): 1000 Genomes Project 0.60044; 1000 Genomes Project 30x 0.60337; gnomAD exomes 0.60432; TOPMed 0.60923; ExAC 0.61370; gnomAD 0.61597 and 0.61721; ESP Exome Variant Server 0.62290.
gnomAD v4.1: 995,487 of 1,597,318 alleles (62%); highest among the groups gnomAD compares: Non-Finnish European, 64%; 311,523 homozygotes.

Submissions (4):

Unidad de Genómica Garrahan, Hospital de Pediatría Garrahan
Classification: Benign. Last evaluated: 2024-07-15. Review status: criteria provided, single submitter. Criteria: ACMG Guidelines, 2015. Collection method: clinical testing. Allele origin: germline. Affected: no. Observed: 75 variant alleles.
Comment: This variant is classified as Benign based on local population frequency. This variant was detected in 81% of patients studied in a panel designed for Epileptic and Developmental Encephalopathy and Progressive Myoclonus Epilepsy. Number of patients: 75. Only high quality variants are reported.

Genome-Nilou Lab
Classification: Benign for Autosomal recessive Alport syndrome. Last evaluated: 2021-07-10. Review status: criteria provided, single submitter. Criteria: ACMG Guidelines, 2015. Collection method: clinical testing. Allele origin: germline. Affected: no.

GeneDx
Classification: Benign. Last evaluated: 2018-06-24. Review status: criteria provided, single submitter. Criteria: GeneDx Variant Classification Process June 2021. Collection method: clinical testing. Allele origin: germline. Affected: yes.

Breakthrough Genomics
Classification: Benign. Review status: criteria provided, single submitter. Criteria: ACMG Guidelines, 2015. Collection method: not provided. Allele origin: germline. Inheritance: Autosomal recessive inheritance. Affected: yes.

NM_000092.5(COL4A4):c.658-39T>C

Gene: COL4A4 (collagen type IV alpha 4 chain; minus strand). Cytogenetic location: 2q36.3.
Variant type: single nucleotide variant.
Coding change: c.658-39T>C on transcript NM_000092.5 (MANE Select); 39 bases into the intron before coding-DNA position 658, T replaced by C.
Molecular consequence: intron variant.
Genome position (GRCh38, 1-based): chr2:227,108,907, A>G on the plus strand (T>C on the coding strand, the complement: COL4A4 is on the minus strand). VCF-style: chr2-227108907-A-G. GRCh37 (hg19) VCF-style: chr2-227973623-A-G.
Identifiers: ClinVar variation 1184738 (VCV001184738.8), dbSNP rs12475686, ClinGen allele CA2145509.